The following is an entry in ClinVar:

ClinVar aggregate classification (germline): Uncertain significance (1 of 4 stars; one submission).

Conditions:
RASopathy. Also called: rasopathies; Noonan spectrum disorder. Identifiers: Orphanet 536391, MedGen C5555857, MONDO:0021060.

Submission:

Labcorp Genetics (formerly Invitae), Labcorp
Classification: Uncertain significance for RASopathy. Last evaluated: 2025-10-23. Review status: criteria provided, single submitter. Criteria: Invitae Variant Classification Sherloc (09022015). Collection method: clinical testing. Allele origin: germline.
Comment: This sequence change creates a premature translational stop signal (p.Gly596Trpfs*16) in the BRAF gene. It is expected to result in an absent or disrupted protein product. However, the current clinical and genetic evidence is not sufficient to establish whether loss-of-function variants in BRAF cause disease. This variant is not present in population databases (gnomAD no frequency). This variant has not been reported in the literature in individuals affected with BRAF-related conditions. Algorithms developed to predict the effect of sequence changes on RNA splicing suggest that this variant may disrupt the consensus splice site. In summary, the available evidence is currently insufficient to determine the role of this variant in disease. Therefore, it has been classified as a Variant of Uncertain Significance.

NM_004333.6(BRAF):c.1785dup (p.Gly596fs)

Gene: BRAF (B-Raf proto-oncogene, serine/threonine kinase; minus strand). Cytogenetic location: 7q34.
Variant type: Duplication.
Coding change: c.1785dup on transcript NM_004333.6 (MANE Select); coding-DNA position 1785, one base duplicated (T; older notation c.1785dupT).
Protein change: p.Gly596fs; shifts the reading frame from glycine 596.
Molecular consequence: frameshift variant.
Genome position (GRCh38, 1-based): chr7:140,753,350, A duplicated on the plus strand (T on the coding strand, the reverse complement: BRAF is on the minus strand); the first of 4 consecutive A bases (chr7:140,753,350-140,753,353); duplicating any one gives the same sequence. VCF-style (leftmost placement, unchanged base first): chr7-140753349-C-CA. GRCh37 (hg19) VCF-style: chr7-140453149-C-CA.
Other names: c.1785dup, p.Gly596fs (NM_001354609.2, NM_001378468.1, NM_001378474.1); c.1905dup, p.Gly636fs (NM_001374244.1, NM_001374258.1); c.1794dup, p.Gly599fs (NM_001378467.1); c.1719dup, p.Gly574fs (NM_001378469.1); c.1683dup, p.Gly562fs (NM_001378470.1); c.1674dup, p.Gly559fs (NM_001378471.1); c.1629dup, p.Gly544fs (NM_001378472.1, NM_001378473.1); c.1521dup, p.Gly508fs (NM_001378475.1); short protein forms G544fs, G574fs, G508fs, G596fs, G559fs, G562fs, G599fs, G636fs.
Identifiers: ClinVar variation 4729733 (VCV004729733.1).